The following is an entry in ClinVar:

NM_004667.6(HERC2):c.10191A>G (p.Leu3397=)

Gene: HERC2 (HECT and RLD domain containing E3 ubiquitin protein ligase 2; minus strand). Cytogenetic location: 15q13.1.
Variant type: single nucleotide variant.
Coding change: c.10191A>G on transcript NM_004667.6 (MANE Select); coding-DNA position 10191, A replaced by G.
Protein change: p.Leu3397=; no amino-acid change (leucine 3397 retained).
Molecular consequence: synonymous variant.
Genome position (GRCh38, 1-based): chr15:28,169,522, T>C on the plus strand (A>G on the coding strand, the complement: HERC2 is on the minus strand). VCF-style: chr15-28169522-T-C. GRCh37 (hg19) VCF-style: chr15-28414668-T-C.
Identifiers: ClinVar variation 3067203 (VCV003067203.21), dbSNP rs148456855, ClinGen allele CA7440944.
Genomic context (GRCh38, chr15:28,169,522, plus strand): 5'-AAAAATTAGCACAGAAGCCTACCTGGCATACATGATTTGCAATGCTGTAAGAATATGTGA[T>C]AAGGCCTGCTGTTTGGCCAGATTTCCATCCAATGACAAGAGAATCTTGGCAAGAGAAGGG-3'
Protein context (NP_004658.3, residues 3387-3407): LDGNLAKQQA[Leu3397=]SHILTALQIM

ClinVar aggregate classification (germline): Likely benign (1 of 4 stars; one submission).

Allele frequency attached by ClinVar (database versions not stated): 1000 Genomes Project 30x 0.00016; TOPMed 0.00019; 1000 Genomes Project 0.00020; ESP Exome Variant Server 0.00031; gnomAD exomes 0.00034; gnomAD 0.00042; ExAC 0.00063.
gnomAD v4.1: 566 of 1,611,136 alleles (0.035%); highest among the groups gnomAD compares: Non-Finnish European, 0.033%; 2 homozygotes.

Submission:

CeGaT Center for Human Genetics Tuebingen
Classification: Likely benign. Last evaluated: 2026-08-01. Review status: criteria provided, single submitter. Criteria: CeGaT Center For Human Genetics Tuebingen Variant Classification Criteria Version 2. Collection method: clinical testing. Allele origin: germline. Affected: yes. Observed: 6 variant alleles.
Comment: HERC2: BP4, BP7